The following is an entry in ClinVar:

GRCh38/hg38 3p26.3(chr3:2047343-2216966)x1

Genes: CNTN4 (contactin 4; plus strand), CNTN4-AS2 (CNTN4 antisense RNA 2; minus strand). Cytogenetic location: 3p26.3.
Variant type: copy number loss.
Change: copy number 1 (one copy instead of two) of chr3:2,047,343-2,216,966 (169.6 kb, GRCh38 coordinates, 1-based), cytogenetic band 3p26.3.
Identifiers: ClinVar variation 4890921 (VCV004890921.1).

ClinVar aggregate classification (germline): Uncertain significance (1 of 4 stars; one submission).

Submission:

Clinical Genomics Laboratory, Laboratory for Precision Diagnostics, University of Washington
Classification: Uncertain significance. Last evaluated: 2023-01-26. Review status: criteria provided, single submitter. Criteria: ACMG/ClinGen CNV Guidelines, 2019. Collection method: clinical testing. Allele origin: maternal. Affected: yes. Observed: 1 variant allele.
Comment: This deletion as detected by this microarray platform is approximately 169 kb in size and removes the first two exons from two of the five transcript variants of CNTN4 (NM_175607.3 and NM_001350095.2; OMIM 607280). The other three transcript variants of CNTN4 are not affected by this deletion. Exons 1 and 2 are non-coding exons in both affected transcript variants, so the deletion removes only a part of the 5' untranslated region and may not result in loss of function. The classification of this deletion is uncertain, per ACMGG interpretation standards (see References). The only protein-coding element affected is CNTN4, which is not established to be dosage sensitive. A review of public databases and the medical literature shows either weak evidence of segregation with clinical features or non-segregation (PMID:21308999, PMID: 18349135, PMID: 31422286). DECIPHER patients 278614 and 425385 have similar deletions as the one found in this person, but both have a different pathogenic deletion elsewhere in the genome that fully explains their clinical features. A review of case-control studies of people with intellectual disability or developmental delay compared to unaffected adult controls shows no statistically significant difference in the frequency of CNTN4 deletions. Deletions of CNTN4 coding exons, which would more predictably cause loss of function, are found at low frequency in both the Database of Genomic Variants (DGV) and gnomAD, two databases of copy number variants found in healthy control groups.

Literature cited by the submitters: PubMed 21308999; PubMed 18349135; PubMed 31422286.